The following is an entry in ClinVar:

ClinVar aggregate classification (germline): Uncertain significance. Review status: criteria provided, multiple submitters, no conflicts (2 of 4 stars). 3 submissions from 3 submitters: Uncertain significance (3). Last evaluated 2024-03-06.

Conditions:
Cardiomyopathy (CMYO). Also called: Cardiomyopathies. Identifiers: Orphanet 167848, MedGen C0878544, MONDO:0004994, HP:0001638. Inheritance: Various modes of inheritance.
Hypertrophic cardiomyopathy. Also called: HYPERTROPHIC MYOCARDIOPATHY. Identifiers: Orphanet 217569, MedGen C0007194, MeSH D002312, MONDO:0005045, HP:0001639.

Allele frequency attached by ClinVar (database versions not stated): gnomAD exomes below 0.00001.
gnomAD v4.1: 6 of 1,614,232 alleles (0.00037%); highest among the groups gnomAD compares: Non-Finnish European, 0.00051%; no homozygotes.

Submissions (3):

Color Diagnostics, LLC DBA Color Health
Classification: Uncertain significance for Cardiomyopathy. Last evaluated: 2024-03-06. Review status: criteria provided, single submitter. Criteria: ACMG Guidelines, 2015. Collection method: clinical testing. Allele origin: germline.
Comment: This missense variant replaces valine with isoleucine at codon 1661 of the MYH7 protein. Computational prediction suggests that this variant may not impact protein structure and function (internally defined REVEL score threshold <= 0.5, PMID: 27666373). To our knowledge, functional studies have not been reported for this variant. This variant has not been reported in individuals affected with cardiovascular disorders in the literature. This variant has not been identified in the general population by the Genome Aggregation Database (gnomAD). The available evidence is insufficient to determine the role of this variant in disease conclusively. Therefore, this variant is classified as a Variant of Uncertain Significance.

GeneDx
Classification: Uncertain significance. Last evaluated: 2024-02-13. Review status: criteria provided, single submitter. Criteria: GeneDx Variant Classification Process June 2021. Collection method: clinical testing. Allele origin: germline. Affected: yes.
Comment: Not observed at significant frequency in large population cohorts (gnomAD); In silico analysis supports that this missense variant does not alter protein structure/function; Has not been previously published as pathogenic or benign to our knowledge

Labcorp Genetics (formerly Invitae), Labcorp
Classification: Uncertain significance for Hypertrophic cardiomyopathy. Last evaluated: 2023-10-14. Review status: criteria provided, single submitter. Criteria: Invitae Variant Classification Sherloc (09022015). Collection method: clinical testing. Allele origin: germline.
Comment: This sequence change replaces valine, which is neutral and non-polar, with isoleucine, which is neutral and non-polar, at codon 1661 of the MYH7 protein (p.Val1661Ile). This variant is not present in population databases (gnomAD no frequency). This variant has not been reported in the literature in individuals affected with MYH7-related conditions. ClinVar contains an entry for this variant (Variation ID: 1171161). Advanced modeling of protein sequence and biophysical properties (such as structural, functional, and spatial information, amino acid conservation, physicochemical variation, residue mobility, and thermodynamic stability) performed at Invitae indicates that this missense variant is not expected to disrupt MYH7 protein function. In summary, the available evidence is currently insufficient to determine the role of this variant in disease. Therefore, it has been classified as a Variant of Uncertain Significance.

NM_000257.4(MYH7):c.4981G>A (p.Val1661Ile)

Genes: MHRT (myosin heavy chain associated RNA transcript; plus strand), MYH7 (myosin heavy chain 7; minus strand), LOC126861897 (BRD4-independent group 4 enhancer GRCh37_chr14:23884455-23885654; plus strand). Cytogenetic location: 14q11.2.
Variant type: single nucleotide variant.
Coding change: c.4981G>A on transcript NM_000257.4 (MANE Select); coding-DNA position 4981, G replaced by A.
Protein change: p.Val1661Ile; replaces valine 1661 with isoleucine.
Molecular consequence: missense variant. On other transcripts: non-coding transcript variant (1).
Genome position (GRCh38, 1-based): chr14:23,415,805, C>T on the plus strand (G>A on the coding strand, the complement: MYH7 is on the minus strand). VCF-style: chr14-23415805-C-T. GRCh37 (hg19) VCF-style: chr14-23885014-C-T.
Other names: c.4981G>A (NM_000257.2); short protein forms V1661I.
Identifiers: ClinVar variation 1171161 (VCV001171161.7), dbSNP rs1358266100, ClinGen allele CA389037201.